The following is an entry in ClinVar:

ClinVar aggregate classification (germline): Uncertain significance (1 of 4 stars; one submission).

Submission:

Labcorp Genetics (formerly Invitae), Labcorp
Classification: Uncertain significance. Last evaluated: 2020-05-05. Review status: criteria provided, single submitter. Criteria: Invitae Variant Classification Sherloc (09022015). Collection method: clinical testing. Allele origin: germline.
Comment: In summary, the available evidence is currently insufficient to determine the role of this variant in disease. Therefore, it has been classified as a Variant of Uncertain Significance. Experimental studies and prediction algorithms are not available or were not evaluated, and the functional significance of this variant is currently unknown. This variant has been observed in individual(s) with clinical features of Alport syndrome (Invitae). This variant is not present in population databases (ExAC no frequency). This variant, c.1249_1272dup, results in the insertion of 8 amino acid(s) to the COL4A5 protein (p.Ser417_Leu424dup), but otherwise preserves the integrity of the reading frame.

NM_033380.3(COL4A5):c.1249_1272dup (p.Ser417_Leu424dup)

Gene: COL4A5 (collagen type IV alpha 5 chain; plus strand). Cytogenetic location: Xq22.3.
Variant type: Duplication.
Coding change: c.1249_1272dup on transcript NM_033380.3 (MANE Select); coding-DNA positions 1249 to 1272, 24 bases duplicated (TCCATTCCTGGACCTCCTGGACTT).
Protein change: p.Ser417_Leu424dup.
Molecular consequence: inframe insertion.
Genome position (GRCh38, 1-based): chrX:108,591,141-108,591,164, TCCATTCCTGGACCTCCTGGACTT duplicated; duplicating any 24 consecutive bases within chrX:108,591,139-108,591,164 gives the same sequence; the c. name uses the placement nearest the transcript's 3' end. VCF-style (leftmost placement, unchanged base first): chrX-108591138-A-ATTTCCATTCCTGGACCTCCTGGAC. GRCh37 (hg19) VCF-style: chrX-107834368-A-ATTTCCATTCCTGGACCTCCTGGAC.
Other names: c.1249_1272dup, p.Ser417_Leu424dup (NM_000495.5).
Identifiers: ClinVar variation 1034999 (VCV001034999.8), dbSNP rs2066426356, ClinGen allele CA2450686417.